The following is an entry in ClinVar:

ClinVar aggregate classification (germline): Pathogenic (1 of 4 stars; one submission).

Submission:

Labcorp Genetics (formerly Invitae), Labcorp
Classification: Pathogenic. Last evaluated: 2021-10-25. Review status: criteria provided, single submitter. Criteria: Invitae Variant Classification Sherloc (09022015). Collection method: clinical testing. Allele origin: germline.
Comment: For these reasons, this variant has been classified as Pathogenic. This variant has not been reported in the literature in individuals affected with LTBP2-related conditions. This variant is present in population databases (rs760404952, gnomAD 0.0009%). This sequence change creates a premature translational stop signal (p.Ala370Glnfs*4) in the LTBP2 gene. It is expected to result in an absent or disrupted protein product. Loss-of-function variants in LTBP2 are known to be pathogenic (PMID: 19361779, 22025892).

Literature cited by the submitters: PubMed 19361779; PubMed 22025892.

NM_000428.3(LTBP2):c.1107_1108del (p.Ala370fs)

Gene: LTBP2 (latent transforming growth factor beta binding protein 2; minus strand). Cytogenetic location: 14q24.3.
Variant type: Microsatellite.
Coding change: c.1107_1108del on transcript NM_000428.3 (MANE Select); coding-DNA positions 1107 to 1108, 2 bases deleted (TG; older notation c.1107_1108delTG).
Protein change: p.Ala370fs; shifts the reading frame from alanine 370.
Molecular consequence: frameshift variant.
Genome position (GRCh38, 1-based): chr14:74,552,976-74,552,977, CA deleted on the plus strand (TG on the coding strand, the reverse complement: LTBP2 is on the minus strand); deleting any 2 consecutive bases within chr14:74,552,976-74,552,979 gives the same sequence; the c. name uses the placement nearest the transcript's 3' end. VCF-style (leftmost placement, unchanged base first): chr14-74552975-GCA-G. GRCh37 (hg19) VCF-style: chr14-75019678-GCA-G.
Other names: short protein forms A370fs.
Identifiers: ClinVar variation 1451240 (VCV001451240.6), dbSNP rs760404952, ClinGen allele CA7269986.
Genomic context (GRCh38, chr14:74,552,975, plus strand): 5'-TCGTGCCCATGGCCGCCCTGGCTGTACAGGGTGGTGGTGTCGCCCCTCTCACAGCTGTTG[GCA>G]CAGTGTCCACGGGCACAGGTCTGCTTGCAGATGGTGGGAGTGAAGACGATCTTGATCTTC-3'